The following is an entry in ClinVar:

ClinVar aggregate classification (germline): Uncertain significance. Review status: criteria provided, multiple submitters, no conflicts (2 of 4 stars). 2 submissions from 2 submitters: Uncertain significance (2). Last evaluated 2024-03-14.

Submissions (2):

GeneDx
Classification: Uncertain significance. Last evaluated: 2024-03-14. Review status: criteria provided, single submitter. Criteria: GeneDx Variant Classification Process June 2021. Collection method: clinical testing. Allele origin: germline. Affected: yes.
Comment: Not observed at significant frequency in large population cohorts (gnomAD); In silico analysis supports that this missense variant has a deleterious effect on protein structure/function; Has not been previously published as pathogenic or benign to our knowledge

Labcorp Genetics (formerly Invitae), Labcorp
Classification: Uncertain significance. Last evaluated: 2023-11-16. Review status: criteria provided, single submitter. Criteria: Invitae Variant Classification Sherloc (09022015). Collection method: clinical testing. Allele origin: germline.
Comment: This sequence change replaces arginine, which is basic and polar, with lysine, which is basic and polar, at codon 1730 of the USP9X protein (p.Arg1730Lys). This variant also falls at the last nucleotide of exon 33, which is part of the consensus splice site for this exon. This variant is not present in population databases (gnomAD no frequency). This variant has not been reported in the literature in individuals affected with USP9X-related conditions. An algorithm developed to predict the effect of missense changes on protein structure and function (PolyPhen-2) suggests that this variant is likely to be tolerated. Variants that disrupt the consensus splice site are a relatively common cause of aberrant splicing (PMID: 17576681, 9536098). In summary, the available evidence is currently insufficient to determine the role of this variant in disease. Therefore, it has been classified as a Variant of Uncertain Significance.

Literature cited by the submitters: PubMed 17576681 (cited by Labcorp Genetics (formerly Invitae), Labcorp); PubMed 9536098 (cited by Labcorp Genetics (formerly Invitae), Labcorp).

NM_001039591.3(USP9X):c.5189G>A (p.Arg1730Lys)

Gene: USP9X (ubiquitin specific peptidase 9 X-linked; plus strand). Cytogenetic location: Xp11.4.
Variant type: single nucleotide variant.
Coding change: c.5189G>A on transcript NM_001039591.3 (MANE Select); coding-DNA position 5189, G replaced by A.
Protein change: p.Arg1730Lys; replaces arginine 1730 with lysine.
Molecular consequence: missense variant.
Genome position (GRCh38, 1-based): chrX:41,210,682, G>A. VCF-style: chrX-41210682-G-A. GRCh37 (hg19) VCF-style: chrX-41069935-G-A.
Other names: c.5189G>A, p.Arg1730Lys (NM_001039590.3); c.5204G>A, p.Arg1735Lys (NM_001410748.1, NM_001410749.1); c.5189G>A (NM_001039590.2); short protein forms R1735K, R1730K.
Identifiers: ClinVar variation 2740095 (VCV002740095.4), dbSNP rs2519353473, ClinGen allele CA412785049.